The following is an entry in ClinVar:

ClinVar aggregate classification (germline): Likely benign (1 of 4 stars; one submission).

Submission:

CeGaT Center for Human Genetics Tuebingen
Classification: Likely benign. Last evaluated: 2026-08-01. Review status: criteria provided, single submitter. Criteria: CeGaT Center For Human Genetics Tuebingen Variant Classification Criteria Version 2. Collection method: clinical testing. Allele origin: germline. Affected: yes. Observed: 4 variant alleles.
Comment: CHKA: BP3, BS2

NM_001277.3(CHKA):c.186GCTGCC[5] (p.Pro70_Gln71insLeuPro)

Gene: CHKA (choline kinase alpha; minus strand). Cytogenetic location: 11q13.2.
Variant type: Microsatellite.
Coding change: c.186GCTGCC[5] on transcript NM_001277.3 (MANE Select); five copies in a row of the 6-base unit GCTGCC starting at c.186; the reference has four copies in a row; one copy, 6 bases duplicated.
Protein change: p.Pro70_Gln71insLeuPro.
Molecular consequence: 5 prime UTR variant (on NM_001376221.1). On other transcripts: non-coding transcript variant (1).
Genome position (GRCh38, 1-based): chr11:68,120,969-68,120,974, GGCAGC duplicated on the plus strand (GCTGCC on the coding strand, the reverse complement: CHKA is on the minus strand); duplicating any 6 consecutive bases within chr11:68,120,969-68,120,995 gives the same sequence; the position shown is the placement nearest the transcript's 3' end. VCF-style (leftmost placement, unchanged base first): chr11-68120968-G-GGGCAGC. GRCh37 (hg19) VCF-style: chr11-67888435-G-GGGCAGC.
Other names: c.186GCTGCC[5], p.Pro70_Gln71insLeuPro (NM_001376219.1, NM_001376220.1, NM_212469.2); c.-179GCTGCC[5] (NM_001376221.1, NM_001376222.1).
Identifiers: ClinVar variation 4681263 (VCV004681263.5).